The following is an entry in ClinVar:

NM_015272.5(RPGRIP1L):c.591_598del (p.Asn198fs)

Gene: RPGRIP1L (RPGRIP1 like; minus strand). Cytogenetic location: 16q12.2.
Variant type: Deletion.
Coding change: c.591_598del on transcript NM_015272.5 (MANE Select); coding-DNA positions 591 to 598, 8 bases deleted (CAACAGTT; older notation c.591_598delCAACAGTT).
Protein change: p.Asn198fs; shifts the reading frame from asparagine 198.
Molecular consequence: frameshift variant.
Genome position (GRCh38, 1-based): chr16:53,687,897-53,687,904, AACTGTTG deleted on the plus strand (CAACAGTT on the coding strand, the reverse complement: RPGRIP1L is on the minus strand). VCF-style (leftmost placement, unchanged base first): chr16-53687896-AAACTGTTG-A. GRCh37 (hg19) VCF-style: chr16-53721808-AAACTGTTG-A.
Other names: c.591_598del, p.Asn198fs (NM_001127897.4, NM_001308334.3, NM_001330538.2); short protein forms N198fs.
Identifiers: ClinVar variation 2933690 (VCV002933690.4), dbSNP rs1970132052, ClinGen allele CA2223272645.

ClinVar aggregate classification (germline): Pathogenic/Likely pathogenic. Review status: criteria provided, multiple submitters, no conflicts (2 of 4 stars). 2 submissions from 2 submitters: Pathogenic (1); Likely pathogenic (1). Last evaluated 2023-06-02.

Conditions:
RPGRIP1L-related disorder. Also called: RPGRIP1L-related disorders; RPGRIP1L-related condition. Identifiers: MedGen CN239416.
Joubert syndrome. Also called: Familial aplasia of the vermis; JOUBERT-BOLTSHAUSER SYNDROME. Identifiers: Orphanet 475, MedGen C5979921, MONDO:0018772.
Meckel-Gruber syndrome. Also called: DYSENCEPHALIA SPLANCHNOCYSTICA; Dysencephalia splachnocystica; GRUBER SYNDROME. Identifiers: Orphanet 564, MedGen C0265215, MONDO:0018921.

Allele frequency attached by ClinVar (database versions not stated): TOPMed below 0.00001.

Submissions (2):

Labcorp Genetics (formerly Invitae), Labcorp
Classification: Pathogenic for Joubert syndrome; Meckel-Gruber syndrome. Last evaluated: 2023-06-02. Review status: criteria provided, single submitter. Criteria: Invitae Variant Classification Sherloc (09022015). Collection method: clinical testing. Allele origin: germline.
Comment: This sequence change creates a premature translational stop signal (p.Asn198Thrfs*2) in the RPGRIP1L gene. It is expected to result in an absent or disrupted protein product. Loss-of-function variants in RPGRIP1L are known to be pathogenic (PMID: 17558409). This variant is not present in population databases (gnomAD no frequency). This variant has not been reported in the literature in individuals affected with RPGRIP1L-related conditions. Algorithms developed to predict the effect of sequence changes on RNA splicing suggest that this variant may create or strengthen a splice site. For these reasons, this variant has been classified as Pathogenic.

Blueprint Genetics
Classification: Likely pathogenic for RPGRIP1L-related disorders. Last evaluated: 2019-04-02. Review status: criteria provided, single submitter. Criteria: ACMG Guidelines, 2015. Collection method: clinical testing. Allele origin: germline. Affected: yes. Observed: 1 variant allele.

Literature cited by the submitters: PubMed 17558409 (cited by Labcorp Genetics (formerly Invitae), Labcorp).